The following is an entry in ClinVar:

ClinVar aggregate classification (germline): Likely benign (1 of 4 stars; one submission).

Conditions:
Neuronal ceroid lipofuscinosis 15. Also called: Neurodegeneration, childhood-onset, hypotonia, respiratory insufficiency and brain imaging abnormalities; Neurodegeneration, childhood-onset, with hypotonia, respiratory insufficiency, and brain imaging abnormalities. Identifiers: Orphanet 610573, MedGen C5543020, MONDO:0030947, OMIM 619173.

gnomAD v4.1: 1 of 1,613,016 alleles (0.000062%); no homozygotes.

Submission:

Centre for Medical Genetics,  Mumbai
Classification: Likely benign for Neuronal ceroid lipofuscinosis 15. Last evaluated: 2026-02-10. Review status: criteria provided, single submitter. Criteria: ACMG Guidelines, 2015. Collection method: provider interpretation. Allele origin: germline. Inheritance: Autosomal dominant inheritance. Affected: no. Observed: 1 heterozygote.
Comment: The variant satisfies PM2 criteria; extremely low frequency in gnomAD population databases. The variant satisfies PP3 criteria; for a missense or a splicing region variant, computational prediction tools unanimously support a deleterious effect on the gene. However, the variant satisfies BS2 criteria.

Literature cited by the submitters: PubMed 33217309.

NM_001286.5(CLCN6):c.698G>T (p.Arg233Leu)

Gene: CLCN6 (Cl-/H+ antiporter 6; plus strand). Cytogenetic location: 1p36.22.
Variant type: single nucleotide variant.
Coding change: c.698G>T on transcript NM_001286.5 (MANE Select); coding-DNA position 698, G replaced by T.
Protein change: p.Arg233Leu; replaces arginine 233 with leucine.
Molecular consequence: missense variant. On other transcripts: non-coding transcript variant (1).
Genome position (GRCh38, 1-based): chr1:11,826,205, G>T. VCF-style: chr1-11826205-G-T. GRCh37 (hg19) VCF-style: chr1-11886262-G-T.
Other names: c.632G>T, p.Arg211Leu (NM_001256959.2); short protein forms R211L, R233L.
Identifiers: ClinVar variation 4795835 (VCV004795835.1).
Genomic context (GRCh38, chr1:11,826,205, plus strand): 5'-TCTTGCTTTAGTTTCAGAGCATCTCCTTACGGAAGATCCAGTTTAACTTCCCCTATTTCC[G>T]AAGCGACAGGTATGGAAAGGTTAGAAATTGGTTTCTTTTTTGGAAACAACATGTTCATGC-3'
Protein context (NP_001277.2, residues 223-243): RKIQFNFPYF[Arg233Leu]SDRDKRDFVS